The following is an entry in ClinVar:

NM_006031.6(PCNT):c.1164_1165del (p.Arg388fs)

Gene: PCNT (pericentrin; plus strand). Cytogenetic location: 21q22.3.
Variant type: Microsatellite.
Coding change: c.1164_1165del on transcript NM_006031.6 (MANE Select); coding-DNA positions 1164 to 1165, 2 bases deleted (AG; older notation c.1164_1165delAG).
Protein change: p.Arg388fs; shifts the reading frame from arginine 388.
Molecular consequence: frameshift variant.
Genome position (GRCh38, 1-based): chr21:46,349,143-46,349,144, AG deleted; deleting any 2 consecutive bases within chr21:46,349,139-46,349,144 gives the same sequence; the c. name uses the placement nearest the transcript's 3' end. VCF-style (leftmost placement, unchanged base first): chr21-46349138-CAG-C. GRCh37 (hg19) VCF-style: chr21-47769052-CAG-C.
Other names: c.810_811del, p.Arg270fs (NM_001315529.2); short protein forms R270fs, R388fs.
Identifiers: ClinVar variation 3068508 (VCV003068508.3), dbSNP rs2518077360, ClinGen allele CA2818110244.

ClinVar aggregate classification (germline): Pathogenic. Review status: criteria provided, multiple submitters, no conflicts (2 of 4 stars). 2 submissions from 2 submitters: Pathogenic (2). Last evaluated 2025-08-05.

Conditions:
Microcephalic osteodysplastic primordial dwarfism type II (MOPD2). Also called: Microcephalic osteodysplastic primordial dwarfism with tooth abnormalities; MOPD II; OSTEODYSPLASTIC PRIMORDIAL DWARFISM, TYPE II. Identifiers: Orphanet 2637, MedGen C0432246, MONDO:0008872, OMIM 210720.

Submissions (2):

3billion
Classification: Pathogenic for Microcephalic osteodysplastic primordial dwarfism type II. Last evaluated: 2025-08-05. Review status: criteria provided, single submitter. Criteria: ACMG Guidelines, 2015. Collection method: clinical testing. Allele origin: germline. Affected: yes.
Comment: The variant is not observed in the gnomAD v4.1.0 dataset. Predicted Consequence/Location: Frameshift: predicted to result in a loss or disruption of normal protein function through nonsense-mediated decay (NMD) or protein truncation. Multiple pathogenic variants are reported downstream of the variant. The variant has been reported to be in trans with a pathogenic variant as either compound heterozygous or homozygous in at least one similarly affected unrelated individual (PMID: 39663844). The variant has been reported to be associated with PCNT-related disorder (ClinVar ID: VCV003068508 /PMID: 39663844). Therefore, this variant is classified as Pathogenic according to the recommendation of ACMG/AMP guideline.

Center for Human Genetics and Genomic Medicine, Uniklinik Rwth Aachen
Classification: Pathogenic for Microcephalic osteodysplastic primordial dwarfism type II. Last evaluated: 2024-04-10. Review status: criteria provided, single submitter. Criteria: ACMG Guidelines, 2015. Collection method: clinical testing. Allele origin: biparental. Inheritance: Autosomal recessive inheritance. Affected: yes. Observed: 1 homozygote.
Comment: This variant has not yet been reported in online databases (dbSNP, ClinVar), and is absent from controls (gnomAD). It creates a frameshift effect, the ACMG criteria are PVS1, PM2, PM3. The variante meets the criteria to be classified as pathogenic.

Literature cited by the submitters: PubMed 39663844 (cited by 3billion).